The following is an entry in ClinVar:

ClinVar aggregate classification (germline): Benign/Likely benign. Review status: criteria provided, multiple submitters, no conflicts (2 of 4 stars). 4 submissions from 4 submitters: Benign (1); Likely benign (3). Last evaluated 2025-11-05.

Conditions:
Hereditary cancer-predisposing syndrome. Also called: Neoplastic Syndromes, Hereditary; Hereditary neoplastic syndrome; Tumor predisposition; Hereditary Cancer Syndrome. Identifiers: Orphanet 140162, MedGen C0027672, MeSH D009386, MONDO:0015356.
Familial cancer of breast. Also called: hereditary breast carcinoma; Hereditary breast cancer; BREAST CANCER, FAMILIAL. Identifiers: Orphanet 227535, MedGen C0346153, MONDO:0016419, OMIM 114480. Disease mechanism: loss of function.
Ataxia-telangiectasia syndrome (AT). Also called: Ataxia telangiectasia (A-T); Cerebello-oculocutaneous telangiectasia; Immunodeficiency with ataxia telangiectasia; LOUIS-BAR SYNDROME; AT, COMPLEMENTATION GROUP C; ATAXIA-TELANGIECTASIA, FRESNO VARIANT. Identifiers: Orphanet 100, MedGen C0004135, MONDO:0008840, OMIM 208900.

Submissions (4):

Labcorp Genetics (formerly Invitae), Labcorp
Classification: Likely benign for Ataxia-telangiectasia syndrome. Last evaluated: 2025-11-05. Review status: criteria provided, single submitter. Criteria: Invitae Variant Classification Sherloc (09022015). Collection method: clinical testing. Allele origin: germline.

Myriad Genetics, Inc.
Classification: Benign for Familial cancer of breast. Last evaluated: 2024-06-21. Review status: criteria provided, single submitter. Criteria: Myriad Autosomal Dominant, Autosomal Recessive and X-Linked Classification Criteria (2023). Collection method: clinical testing. Allele origin: unknown.
Comment: This variant is considered benign. This variant is a silent/synonymous amino acid change and it is not expected to impact splicing.

GeneDx
Classification: Likely benign. Last evaluated: 2019-10-23. Review status: criteria provided, single submitter. Criteria: GeneDx Variant Classification Process June 2021. Collection method: clinical testing. Allele origin: germline. Affected: yes.

Ambry Genetics
Classification: Likely benign for Hereditary cancer-predisposing syndrome. Last evaluated: 2015-03-06. Review status: criteria provided, single submitter. Criteria: Ambry Variant Classification Scheme 2023. Collection method: clinical testing. Allele origin: germline.

NM_000051.4(ATM):c.8833C>T (p.Leu2945=)

Genes: C11orf65 (chromosome 11 open reading frame 65; minus strand), ATM (ATM serine/threonine kinase; plus strand). Cytogenetic location: 11q22.3.
Variant type: single nucleotide variant.
Coding change: c.8833C>T on transcript NM_000051.4 (MANE Select); coding-DNA position 8833, C replaced by T.
Protein change: p.Leu2945=; no amino-acid change (leucine 2945 retained).
Molecular consequence: synonymous variant. On other transcripts: intron variant (2).
Genome position (GRCh38, 1-based): chr11:108,354,857, C>T. VCF-style: chr11-108354857-C-T. GRCh37 (hg19) VCF-style: chr11-108225584-C-T.
Other names: c.8833C>T, p.Leu2945= (NM_001351834.2); c.640+31063G>A (NM_001330368.2); c.695-19565G>A (NM_001351110.2).
Identifiers: ClinVar variation 230763 (VCV000230763.16), dbSNP rs786203505, ClinGen allele CA10579322.